The following is an entry in ClinVar:

NM_001354604.2(MITF):c.1222C>G (p.Pro408Ala)

Gene: MITF (melanocyte inducing transcription factor; plus strand). Cytogenetic location: 3p13.
Variant type: single nucleotide variant.
Coding change: c.1222C>G on transcript NM_001354604.2 (MANE Select); coding-DNA position 1222, C replaced by G.
Protein change: p.Pro408Ala; replaces proline 408 with alanine.
Molecular consequence: missense variant.
Genome position (GRCh38, 1-based): chr3:69,964,889, C>G. VCF-style: chr3-69964889-C-G. GRCh37 (hg19) VCF-style: chr3-70014040-C-G.
Other names: c.901C>G, p.Pro301Ala (NM_000248.4); c.1048C>G, p.Pro350Ala (NM_001184967.2, NM_001354608.2); c.1219C>G, p.Pro407Ala (NM_001354605.2); c.1201C>G, p.Pro401Ala (NM_001354606.2, NM_006722.3); c.1153C>G, p.Pro385Ala (NM_001354607.2); c.883C>G, p.Pro295Ala (NM_198158.3); c.1204C>G, p.Pro402Ala (NM_198159.3); c.1156C>G, p.Pro386Ala (NM_198177.3); and 1 more; short protein forms P301A, P386A, P239A, P295A, P385A, P350A, P401A, P402A.
Identifiers: ClinVar variation 346497 (VCV000346497.13), dbSNP rs199992377, ClinGen allele CA2490626.
Genomic context (GRCh38, chr3:69,964,889, plus strand): 5'-TCTTTACTCTTATTATAGGAACTTGAAATGCAGGCTCGAGCTCATGGACTTTCCCTTATT[C>G]CATCCACGGGTCTCTGCTCTCCAGATTTGGTGAATCGGATCATCAAGCAAGAACCCGTTC-3'
Protein context (NP_001341533.1, residues 398-418): QARAHGLSLI[Pro408Ala]STGLCSPDLV

ClinVar aggregate classification (germline): Conflicting classifications of pathogenicity. Review status: criteria provided, conflicting classifications (1 of 4 stars). 5 submissions from 4 submitters: Uncertain significance (3); Benign (1); Likely benign (1). Last evaluated 2026-02-03.

Conditions:
Waardenburg syndrome type 2A (WS2A). Also called: WAARDENBURG SYNDROME WITHOUT DYSTOPIA CANTHORUM. Identifiers: Orphanet 3440, MedGen C1860339, MONDO:0008671, OMIM 193510.
Tietz syndrome (TADS). Also called: ALBINISM-DEAFNESS OF TIETZ; HYPOPIGMENTATION/DEAFNESS OF TIETZ; TIETZ ALBINISM-DEAFNESS SYNDROME. Identifiers: Orphanet 42665, MedGen C0391816, MONDO:0007077, OMIM 103500.
Melanoma, cutaneous malignant, susceptibility to, 8. Also called: MELANOMA AND RENAL CELL CARCINOMA, SUSCEPTIBILITY TO; Cutaneous malignant melanoma 8. Identifiers: Orphanet 293822, MedGen C3152204, MONDO:0013759, OMIM 614456.
Hereditary cancer-predisposing syndrome. Also called: Neoplastic Syndromes, Hereditary; Tumor predisposition; Hereditary neoplastic syndrome; Hereditary Cancer Syndrome. Identifiers: Orphanet 140162, MedGen C0027672, MeSH D009386, MONDO:0015356.

Allele frequency attached by ClinVar (database versions not stated): gnomAD exomes 0.00001 and 0.00006; gnomAD 0.00002 and 0.00003; TOPMed 0.00003; ExAC 0.00005; 1000 Genomes Project 0.00040; 1000 Genomes Project 30x 0.00047.
gnomAD v4.1: 16 of 1,614,076 alleles (0.00099%); highest among the groups gnomAD compares: East Asian, 0.033%; no homozygotes.

Submissions (5):

Labcorp Genetics (formerly Invitae), Labcorp
Classification: Uncertain significance for Melanoma, cutaneous malignant, susceptibility to, 8; Waardenburg syndrome type 2A; Tietz syndrome. Last evaluated: 2026-02-03. Review status: criteria provided, single submitter. Criteria: Invitae Variant Classification Sherloc (09022015). Collection method: clinical testing. Allele origin: germline.
Comment: This sequence change replaces proline, which is neutral and non-polar, with alanine, which is neutral and non-polar, at codon 301 of the MITF protein (p.Pro301Ala). This variant is present in population databases (rs199992377, gnomAD 0.07%). This variant has not been reported in the literature in individuals affected with MITF-related conditions. ClinVar contains an entry for this variant (Variation ID: 346497). Invitae Evidence Modeling of protein sequence and biophysical properties (such as structural, functional, and spatial information, amino acid conservation, physicochemical variation, residue mobility, and thermodynamic stability) indicates that this missense variant is not expected to disrupt MITF protein function with a negative predictive value of 80%. In summary, the available evidence is currently insufficient to determine the role of this variant in disease. Therefore, it has been classified as a Variant of Uncertain Significance.

Ambry Genetics
Classification: Uncertain significance for Hereditary cancer-predisposing syndrome. Last evaluated: 2024-11-18. Review status: criteria provided, single submitter. Criteria: Ambry Variant Classification Scheme 2023. Collection method: clinical testing. Allele origin: germline.
Comment: The p.P301A variant (also known as c.901C>G), located in coding exon 9 of the MITF gene, results from a C to G substitution at nucleotide position 901. The proline at codon 301 is replaced by alanine, an amino acid with highly similar properties. This amino acid position is conserved. In addition, this alteration is predicted to be tolerated by in silico analysis. Based on the available evidence, the clinical significance of this variant remains unclear.

GeneDx
Classification: Uncertain significance. Last evaluated: 2024-11-06. Review status: criteria provided, single submitter. Criteria: GeneDx Variant Classification Process June 2021. Collection method: clinical testing. Allele origin: germline. Affected: yes.
Comment: In silico analysis indicates that this missense variant does not alter protein structure/function; Has not been previously published as pathogenic or benign to our knowledge

Illumina Laboratory Services, Illumina
Classification: Likely benign for Waardenburg syndrome type 2A. Last evaluated: 2018-01-13. Review status: criteria provided, single submitter. Criteria: ICSL Variant Classification Criteria 13 December 2019. Collection method: clinical testing. Allele origin: germline.
Comment: This variant was observed in the ICSL laboratory as part of a predisposition screen in an ostensibly healthy population. It had not been previously curated by ICSL or reported in the Human Gene Mutation Database (HGMD: prior to June 1st, 2018), and was therefore a candidate for classification through an automated scoring system. Utilizing variant allele frequency, disease prevalence and penetrance estimates, and inheritance mode, an automated score was calculated to assess if this variant is too frequent to cause the disease. Based on the score and internal cut-off values, a variant classified as likely benign is not then subjected to further curation. The score for this variant resulted in a classification of likely benign for this disease.

Illumina Laboratory Services, Illumina
Classification: Benign for Tietz syndrome. Last evaluated: 2018-01-13. Review status: criteria provided, single submitter. Criteria: ICSL Variant Classification Criteria 13 December 2019. Collection method: clinical testing. Allele origin: germline.
Comment: This variant was observed in the ICSL laboratory as part of a predisposition screen in an ostensibly healthy population. It had not been previously curated by ICSL or reported in the Human Gene Mutation Database (HGMD: prior to June 1st, 2018), and was therefore a candidate for classification through an automated scoring system. Utilizing variant allele frequency, disease prevalence and penetrance estimates, and inheritance mode, an automated score was calculated to assess if this variant is too frequent to cause the disease. Based on the score and internal cut-off values, a variant classified as benign is not then subjected to further curation. The score for this variant resulted in a classification of benign for this disease.